The following is an entry in ClinVar:

ClinVar aggregate classification (germline): Uncertain significance. Review status: criteria provided, multiple submitters, no conflicts (2 of 4 stars). 2 submissions from 2 submitters: Uncertain significance (2). Last evaluated 2024-12-23.

Conditions:
Inborn genetic diseases. Identifiers: MedGen C0950123, MeSH D030342.

Allele frequency attached by ClinVar (database versions not stated): TOPMed below 0.00001; gnomAD 0.00001.
gnomAD v4.1: 6 of 1,610,540 alleles (0.00037%); highest among the groups gnomAD compares: Non-Finnish European, 0.00051%; no homozygotes.

Submissions (2):

Ambry Genetics
Classification: Uncertain significance for Inborn genetic diseases. Last evaluated: 2024-12-23. Review status: criteria provided, single submitter. Criteria: Ambry Variant Classification Scheme 2023. Collection method: clinical testing. Allele origin: germline.

Labcorp Genetics (formerly Invitae), Labcorp
Classification: Uncertain significance. Last evaluated: 2022-12-31. Review status: criteria provided, single submitter. Criteria: Invitae Variant Classification Sherloc (09022015). Collection method: clinical testing. Allele origin: germline.
Comment: This variant has not been reported in the literature in individuals affected with DNA2-related conditions. In summary, the available evidence is currently insufficient to determine the role of this variant in disease. Therefore, it has been classified as a Variant of Uncertain Significance. Advanced modeling of protein sequence and biophysical properties (such as structural, functional, and spatial information, amino acid conservation, physicochemical variation, residue mobility, and thermodynamic stability) performed at Invitae indicates that this missense variant is expected to disrupt DNA2 protein function. This variant is present in population databases (no rsID available, gnomAD 0.002%). This sequence change replaces aspartic acid, which is acidic and polar, with glutamic acid, which is acidic and polar, at codon 762 of the DNA2 protein (p.Asp762Glu).

NM_001080449.3(DNA2):c.2286T>G (p.Asp762Glu)

Gene: DNA2 (DNA replication helicase/nuclease 2; minus strand). Cytogenetic location: 10q21.3.
Variant type: single nucleotide variant.
Coding change: c.2286T>G on transcript NM_001080449.3 (MANE Select); coding-DNA position 2286, T replaced by G.
Protein change: p.Asp762Glu; replaces aspartic acid 762 with glutamic acid.
Molecular consequence: missense variant. On other transcripts: non-coding transcript variant (1).
Genome position (GRCh38, 1-based): chr10:68,422,813, A>C on the plus strand (T>G on the coding strand, the complement: DNA2 is on the minus strand). VCF-style: chr10-68422813-A-C. GRCh37 (hg19) VCF-style: chr10-70182570-A-C.
Other names: c.2286T>G (NM_001080449.2); short protein forms D762E.
Identifiers: ClinVar variation 2895162 (VCV002895162.4), dbSNP rs994781726, ClinGen allele CA208194694.